The following is an entry in ClinVar:

NM_001009944.3(PKD1):c.11412-13C>A

Genes: PKD1 (polycystin 1, transient receptor potential channel interacting; minus strand), PKD1-AS1 (PKD1 antisense RNA 1; plus strand). Cytogenetic location: 16p13.3.
Variant type: single nucleotide variant.
Coding change: c.11412-13C>A on transcript NM_001009944.3 (MANE Select); 13 bases into the intron before coding-DNA position 11412, C replaced by A.
Molecular consequence: intron variant.
Genome position (GRCh38, 1-based): chr16:2,091,919, G>T on the plus strand (C>A on the coding strand, the complement: PKD1 is on the minus strand). VCF-style: chr16-2091919-G-T. GRCh37 (hg19) VCF-style: chr16-2141920-G-T.
Other names: c.11409-13C>A (NM_000296.4).
Identifiers: ClinVar variation 4076734 (VCV004076734.1).

ClinVar aggregate classification (germline): Uncertain significance (1 of 4 stars; one submission).

Submission:

GeneDx
Classification: Uncertain significance. Last evaluated: 2025-02-21. Review status: criteria provided, single submitter. Criteria: GeneDx Variant Classification Process June 2021. Collection method: clinical testing. Allele origin: germline. Affected: yes.
Comment: Not observed at significant frequency in large population cohorts (gnomAD); In silico analysis indicates that this variant does not alter splicing; Has not been previously published as pathogenic or benign to our knowledge